The following is an entry in ClinVar:

ClinVar aggregate classification (germline): Uncertain significance (1 of 4 stars; one submission).

Allele frequency attached by ClinVar (database versions not stated): gnomAD exomes below 0.00001; TOPMed below 0.00001; ExAC 0.00001; gnomAD 0.00001.

Submission:

GeneDx
Classification: Uncertain significance. Last evaluated: 2017-05-05. Review status: criteria provided, single submitter. Criteria: GeneDx Variant Classification (06012015). Collection method: clinical testing. Allele origin: germline. Affected: yes.
Comment: The P1229S variant of uncertain significance in the FBN2 gene has not been published as pathogenic or been reported as benign to our knowledge. This variant is not observed at a significant frequency in large population cohorts (Lek et al., 2016; 1000 Genomes Consortium et al., 2015; Exome Variant Server). The P1229S variant is a non-conservative amino acid substitution, which is likely to impact secondary protein structure as these residues differ in polarity, charge, size and/or other properties. In silico analysis predicts this variant is probably damaging to the protein structure/function. However, this substitution occurs at a position that is not conserved across species, and serine is the wild-type amino acid at this location in multiple species. Furthermore, although the P1229S variant occurs within a calcium-binding EGF-like domain of the FBN2 gene, it does not affect a Cysteine residue. Cysteine substitutions in the calcium-binding EGF-like domains represent the majority of pathogenic missense changes associated with congenital arachnodactyly (Collod-Beroud et al., 2003; FrÃ©dÃ©ric et al., 2009).

NM_001999.4(FBN2):c.3685C>T (p.Pro1229Ser)

Gene: FBN2 (fibrillin 2; minus strand). Cytogenetic location: 5q23.3.
Variant type: single nucleotide variant.
Coding change: c.3685C>T on transcript NM_001999.4 (MANE Select); coding-DNA position 3685, C replaced by T.
Protein change: p.Pro1229Ser; replaces proline 1229 with serine.
Molecular consequence: missense variant.
Genome position (GRCh38, 1-based): chr5:128,336,027, G>A on the plus strand (C>T on the coding strand, the complement: FBN2 is on the minus strand). VCF-style: chr5-128336027-G-A. GRCh37 (hg19) VCF-style: chr5-127671719-G-A.
Other names: short protein forms P1229S.
Identifiers: ClinVar variation 429400 (VCV000429400.2), dbSNP rs772682329, ClinGen allele CA3395170.